The following is an entry in ClinVar:

NM_024408.4(NOTCH2):c.6027+1G>A

Gene: NOTCH2 (notch receptor 2; minus strand). Cytogenetic location: 1p12.
Variant type: single nucleotide variant.
Coding change: c.6027+1G>A on transcript NM_024408.4 (MANE Select); the canonical splice donor site of the intron after coding-DNA position 6027, G replaced by A.
Molecular consequence: splice donor variant.
Genome position (GRCh38, 1-based): chr1:119,917,664, C>T on the plus strand (G>A on the coding strand, the complement: NOTCH2 is on the minus strand). VCF-style: chr1-119917664-C-T. GRCh37 (hg19) VCF-style: chr1-120460287-C-T.
Identifiers: ClinVar variation 4694657 (VCV004694657.1).
Genomic context (GRCh38, chr1:119,917,664, plus strand): 5'-ATGGGCTTATAACTGAGGCACTGCTATGAGCCTCCTCAAGCTCAGAGCCCACAAACTGTA[C>T]CTTGTTGTCCTGCATGTCTCGGTTGGCCCCATTTTTCAACAACAAAAGAGTTGCCTCCAC-3'

ClinVar aggregate classification (germline): Uncertain significance (1 of 4 stars; one submission).

Conditions:
Hajdu-Cheney syndrome (HJCYS). Also called: Acroosteolysis dominant type; ACROOSTEOLYSIS WITH OSTEOPOROSIS AND CHANGES IN SKULL AND MANDIBLE; SERPENTINE FIBULA-POLYCYSTIC KIDNEY SYNDROME. Identifiers: Orphanet 955, MedGen C0917715, MONDO:0007057, OMIM 102500.

Submission:

Labcorp Genetics (formerly Invitae), Labcorp
Classification: Uncertain significance for Hajdu-Cheney syndrome. Last evaluated: 2026-01-02. Review status: criteria provided, single submitter. Criteria: Invitae Variant Classification Sherloc (09022015). Collection method: clinical testing. Allele origin: germline.
Comment: This sequence change affects a donor splice site in intron 33 of the NOTCH2 gene. While this variant is not anticipated to result in nonsense mediated decay, it likely alters RNA splicing and results in a disrupted protein product. This variant is not present in population databases (gnomAD no frequency). Disruption of this splice site has been observed in individual(s) with NOTCH2-related conditions (PMID: 31450232). Variants that disrupt the consensus splice site are a relatively common cause of aberrant splicing (PMID: 17576681, 9536098). Algorithms developed to predict the effect of sequence changes on RNA splicing suggest that this variant may disrupt the consensus splice site. In summary, the available evidence is currently insufficient to determine the role of this variant in disease. Therefore, it has been classified as a Variant of Uncertain Significance.

Literature cited by the submitters: PubMed 31450232; PubMed 17576681; PubMed 9536098.